The following is an entry in ClinVar:

NM_001291415.2(KDM6A):c.3437A>G (p.Lys1146Arg)

Gene: KDM6A (lysine demethylase 6A; plus strand). Cytogenetic location: Xp11.3.
Variant type: single nucleotide variant.
Coding change: c.3437A>G on transcript NM_001291415.2 (MANE Select); coding-DNA position 3437, A replaced by G.
Protein change: p.Lys1146Arg; replaces lysine 1146 with arginine.
Molecular consequence: missense variant. On other transcripts: non-coding transcript variant (1).
Genome position (GRCh38, 1-based): chrX:45,082,786, A>G. VCF-style: chrX-45082786-A-G. GRCh37 (hg19) VCF-style: chrX-44942031-A-G.
Other names: c.3302A>G, p.Lys1101Arg (NM_001291416.2, NM_001419811.1); c.3146A>G, p.Lys1049Arg (NM_001291417.2); c.3044A>G, p.Lys1015Arg (NM_001291418.2, NM_001419815.1); c.2393A>G, p.Lys798Arg (NM_001291421.2); c.3179A>G, p.Lys1060Arg (NM_001410742.1, NM_001419814.1); c.3437A>G, p.Lys1146Arg (NM_001419809.1); c.3335A>G, p.Lys1112Arg (NM_001419810.1, NM_001419813.1); c.3281A>G, p.Lys1094Arg (NM_001419812.1, NM_021140.4); short protein forms K1015R, K1049R, K1060R, K1094R, K1101R, K1112R, K1146R, K798R.
Identifiers: ClinVar variation 3731481 (VCV003731481.1).
Genomic context (GRCh38, chrX:45,082,786, plus strand): 5'-GGAGGAAAGGACCCTTTAAAACCATAAAGTTTGGGACCAATATTGACCTATCTGATGACA[A>G]AAAGTAAGTCCTTGTAGTAATATTTCTGTGAACTGATGCAAAGAGTTATCCTGTGCTAGA-3'
Protein context (NP_001278344.1, residues 1136-1156): FGTNIDLSDD[Lys1146Arg]KWKLQLHELT

ClinVar aggregate classification (germline): Uncertain significance (1 of 4 stars; one submission).

Conditions:
Kabuki syndrome 2 (KABUK2). Also called: KDM6A-Related Kabuki Syndrome. Identifiers: Orphanet 2322, MedGen C3275495, MONDO:0010465, OMIM 300867.

Submission:

Neuberg Centre For Genomic Medicine, NCGM
Classification: Uncertain significance for Kabuki syndrome 2. Last evaluated: 2023-06-22. Review status: criteria provided, single submitter. Criteria: ACMG Guidelines, 2015. Collection method: clinical testing. Allele origin: germline. Inheritance: Autosomal dominant inheritance. Affected: yes.
Comment: The observed missense c.3437A>G(p.Lys1146Arg) variant in KDM6A gene has not been reported previously as a pathogenic variant nor as a benign variant, to our knowledge. This variant is absent in gnomAD Exomes. The amino acid Lys at position 1146 is changed to a Arg changing protein sequence and it might alter its composition and physico-chemical properties. The amino acid change p.Lys1146Arg in KDM6A is predicted as conserved by GERP++ and PhyloP across 100 vertebrates. Computational evidence (Polyphen - Benign, SIFT - Tolerated, and MutationTaster - Disease causing) predicts conflicting evidence on protein structure and function for this variant. For these reasons, this variant has been classified as Uncertain Significance.